The following is an entry in ClinVar:

ClinVar aggregate classification (germline): Uncertain significance. Review status: criteria provided, multiple submitters, no conflicts (2 of 4 stars). 2 submissions from 2 submitters: Uncertain significance (2). Last evaluated 2025-12-04.

Conditions:
Inborn genetic diseases. Identifiers: MedGen C0950123, MeSH D030342.
Holoprosencephaly 2 (HPE2). Identifiers: Orphanet 2162, MedGen C1834877, MONDO:0007999, OMIM 157170.

Allele frequency attached by ClinVar (database versions not stated): gnomAD exomes 0.00001 and 0.00002; ExAC 0.00003.
gnomAD v4.1: 5 of 1,597,458 alleles (0.00031%); highest among the groups gnomAD compares: Admixed American, 0.0083%; no homozygotes.

Submissions (2):

Ambry Genetics
Classification: Uncertain significance for Inborn genetic diseases. Last evaluated: 2025-12-04. Review status: criteria provided, single submitter. Criteria: Ambry Variant Classification Scheme 2023. Collection method: clinical testing. Allele origin: germline.

Labcorp Genetics (formerly Invitae), Labcorp
Classification: Uncertain significance for Holoprosencephaly 2. Last evaluated: 2023-09-26. Review status: criteria provided, single submitter. Criteria: Invitae Variant Classification Sherloc (09022015). Collection method: clinical testing. Allele origin: germline.
Comment: This sequence change replaces phenylalanine, which is neutral and non-polar, with cysteine, which is neutral and slightly polar, at codon 14 of the SIX3 protein (p.Phe14Cys). This variant is present in population databases (rs748430037, gnomAD 0.01%). This variant has not been reported in the literature in individuals affected with SIX3-related conditions. ClinVar contains an entry for this variant (Variation ID: 1353950). An algorithm developed to predict the effect of missense changes on protein structure and function (PolyPhen-2) suggests that this variant is likely to be tolerated. In summary, the available evidence is currently insufficient to determine the role of this variant in disease. Therefore, it has been classified as a Variant of Uncertain Significance.

NM_005413.4(SIX3):c.41T>G (p.Phe14Cys)

Gene: SIX3 (SIX homeobox 3; plus strand). Cytogenetic location: 2p21.
Variant type: single nucleotide variant.
Coding change: c.41T>G on transcript NM_005413.4 (MANE Select); coding-DNA position 41, T replaced by G.
Protein change: p.Phe14Cys; replaces phenylalanine 14 with cysteine.
Molecular consequence: missense variant.
Genome position (GRCh38, 1-based): chr2:44,942,145, T>G. VCF-style: chr2-44942145-T-G. GRCh37 (hg19) VCF-style: chr2-45169284-T-G.
Other names: c.41T>G (NM_005413.3); short protein forms F14C.
Identifiers: ClinVar variation 1353950 (VCV001353950.7), dbSNP rs748430037, ClinGen allele CA1642243.